The following is an entry in ClinVar:

NM_001128148.3(TFRC):c.743C>T (p.Thr248Ile)

Gene: TFRC (transferrin receptor; minus strand). Cytogenetic location: 3q29.
Variant type: single nucleotide variant.
Coding change: c.743C>T on transcript NM_001128148.3 (MANE Select); coding-DNA position 743, C replaced by T.
Protein change: p.Thr248Ile; replaces threonine 248 with isoleucine.
Molecular consequence: missense variant. On other transcripts: 5 prime UTR variant (1).
Genome position (GRCh38, 1-based): chr3:196,069,513, G>A on the plus strand (C>T on the coding strand, the complement: TFRC is on the minus strand). VCF-style: chr3-196069513-G-A. GRCh37 (hg19) VCF-style: chr3-195796384-G-A.
Other names: c.500C>T, p.Thr167Ile (NM_001313965.2); c.-104C>T (NM_001313966.2); c.743C>T, p.Thr248Ile (NM_003234.4); short protein forms T167I, T248I.
Identifiers: ClinVar variation 1423774 (VCV001423774.6), dbSNP rs762642181, ClinGen allele CA2778200.

ClinVar aggregate classification (germline): Uncertain significance (1 of 4 stars; one submission).

Allele frequency attached by ClinVar (database versions not stated): ExAC 0.00001; gnomAD 0.00001; gnomAD exomes 0.00002; TOPMed 0.00002.
gnomAD v4.1: 36 of 1,613,516 alleles (0.0022%); highest among the groups gnomAD compares: East Asian, 0.071%; no homozygotes.

Submission:

Labcorp Genetics (formerly Invitae), Labcorp
Classification: Uncertain significance. Last evaluated: 2026-01-27. Review status: criteria provided, single submitter. Criteria: Invitae Variant Classification Sherloc (09022015). Collection method: clinical testing. Allele origin: germline.
Comment: This sequence change replaces threonine, which is neutral and polar, with isoleucine, which is neutral and non-polar, at codon 248 of the TFRC protein (p.Thr248Ile). This variant is present in population databases (rs762642181, gnomAD 0.03%). This variant has not been reported in the literature in individuals affected with TFRC-related conditions. ClinVar contains an entry for this variant (Variation ID: 1423774). Invitae Evidence Modeling of protein sequence and biophysical properties (such as structural, functional, and spatial information, amino acid conservation, physicochemical variation, residue mobility, and thermodynamic stability) indicates that this missense variant is not expected to disrupt TFRC protein function with a negative predictive value of 80%. In summary, the available evidence is currently insufficient to determine the role of this variant in disease. Therefore, it has been classified as a Variant of Uncertain Significance.